The following is an entry in ClinVar:

ClinVar aggregate classification (germline): Uncertain significance (1 of 4 stars; one submission).

Conditions:
Familial thoracic aortic aneurysm and aortic dissection (TAAD). Also called: Thoracic aortic aneurysms and dissections. Identifiers: Orphanet 91387, MedGen C4707243, MONDO:0019625.

Allele frequency attached by ClinVar (database versions not stated): gnomAD exomes below 0.00001.
gnomAD v4.1: 1 of 1,613,972 alleles (0.000062%); highest among the groups gnomAD compares: South Asian, 0.0011%; no homozygotes.

Submission:

Labcorp Genetics (formerly Invitae), Labcorp
Classification: Uncertain significance for Familial thoracic aortic aneurysm and aortic dissection. Last evaluated: 2022-10-07. Review status: criteria provided, single submitter. Criteria: Invitae Variant Classification Sherloc (09022015). Collection method: clinical testing. Allele origin: germline.
Comment: This variant is not present in population databases (gnomAD no frequency). This sequence change replaces asparagine, which is neutral and polar, with serine, which is neutral and polar, at codon 107 of the TGFBR1 protein (p.Asn107Ser). This variant has not been reported in the literature in individuals affected with TGFBR1-related conditions. In summary, the available evidence is currently insufficient to determine the role of this variant in disease. Therefore, it has been classified as a Variant of Uncertain Significance. Advanced modeling of protein sequence and biophysical properties (such as structural, functional, and spatial information, amino acid conservation, physicochemical variation, residue mobility, and thermodynamic stability) performed at Invitae indicates that this missense variant is expected to disrupt TGFBR1 protein function.

NM_004612.4(TGFBR1):c.320A>G (p.Asn107Ser)

Gene: TGFBR1 (transforming growth factor beta receptor 1; plus strand). Cytogenetic location: 9q22.33.
Variant type: single nucleotide variant.
Coding change: c.320A>G on transcript NM_004612.4 (MANE Select); coding-DNA position 320, A replaced by G.
Protein change: p.Asn107Ser; replaces asparagine 107 with serine.
Molecular consequence: missense variant.
Genome position (GRCh38, 1-based): chr9:99,129,077, A>G. VCF-style: chr9-99129077-A-G. GRCh37 (hg19) VCF-style: chr9-101891359-A-G.
Other names: c.320A>G, p.Asn107Ser (NM_001130916.3, NM_001306210.2, NM_001407416.1 and 2 more transcripts); c.113A>G, p.Asn38Ser (NM_001407418.1, NM_001407419.1, NM_001407420.1 and 12 more transcripts); short protein forms N107S, N38S.
Identifiers: ClinVar variation 1721148 (VCV001721148.6), dbSNP rs2118575478, ClinGen allele CA374226418.
Genomic context (GRCh38, chr9:99,129,077, plus strand): 5'-CACCCTCTTCAAAAACTGGGTCTGTGACTACAACATATTGCTGCAATCAGGACCATTGCA[A>G]TAAAATAGAACTTCCAACTACTGGTAAGTTGTATAAAATTTTTTTCCTAGATACTACAAG-3'
Protein context (NP_004603.1, residues 97-117): TTYCCNQDHC[Asn107Ser]KIELPTTVKS